The following is an entry in ClinVar:

ClinVar aggregate classification (germline): Uncertain significance (1 of 4 stars; one submission).

Submission:

CeGaT Center for Human Genetics Tuebingen
Classification: Uncertain significance. Last evaluated: 2024-09-01. Review status: criteria provided, single submitter. Criteria: CeGaT Center For Human Genetics Tuebingen Variant Classification Criteria Version 2. Collection method: clinical testing. Allele origin: germline. Affected: yes. Observed: 1 variant allele.
Comment: MAGEL2: PM2, BP4

NM_019066.5(MAGEL2):c.3163A>C (p.Lys1055Gln)

Gene: MAGEL2 (MAGE family member L2; minus strand). Cytogenetic location: 15q11.2.
Variant type: single nucleotide variant.
Coding change: c.3163A>C on transcript NM_019066.5 (MANE Select); coding-DNA position 3163, A replaced by C.
Protein change: p.Lys1055Gln; replaces lysine 1055 with glutamine.
Molecular consequence: missense variant.
Genome position (GRCh38, 1-based): chr15:23,644,580, T>G on the plus strand (A>C on the coding strand, the complement: MAGEL2 is on the minus strand). VCF-style: chr15-23644580-T-G. GRCh37 (hg19) VCF-style: chr15-23889727-T-G.
Other names: short protein forms K1055Q.
Identifiers: ClinVar variation 3388729 (VCV003388729.14).